The following is an entry in ClinVar:

ClinVar aggregate classification (germline): Benign/Likely benign. Review status: criteria provided, multiple submitters, no conflicts (2 of 4 stars). 13 submissions from 12 submitters: Benign (2); Likely benign (8). 3 of the submissions do not count toward it. Last evaluated 2026-02-03.

Conditions:
BRIP1-related disorder. Also called: BRIP1-related condition; BRIP1-related disorders. Identifiers: MedGen CN239206.
Hereditary cancer-predisposing syndrome. Also called: Neoplastic Syndromes, Hereditary; Hereditary Cancer Syndrome; Tumor predisposition; Hereditary neoplastic syndrome. Identifiers: Orphanet 140162, MedGen C0027672, MeSH D009386, MONDO:0015356.
Fanconi anemia complementation group J. Also called: BRIP1-Related Fanconi Anemia. Identifiers: Orphanet 84, MedGen C1836860, MONDO:0012187, OMIM 609054.
Familial cancer of breast. Also called: Hereditary breast cancer; hereditary breast carcinoma; BREAST CANCER, FAMILIAL. Identifiers: Orphanet 227535, MedGen C0346153, MONDO:0016419, OMIM 114480. Disease mechanism: loss of function.
Ovarian cancer. Also called: OVARIAN CANCER, SOMATIC. Identifiers: Orphanet 213500, MedGen C1140680, MONDO:0008170, OMIM 167000.

Allele frequency attached by ClinVar (database versions not stated): ExAC 0.00004; TOPMed 0.00004; gnomAD 0.00007 and 0.00011; ESP Exome Variant Server 0.00008; 1000 Genomes Project 30x 0.00047; 1000 Genomes Project 0.00060.
gnomAD v4.1: 53 of 1,613,990 alleles (0.0033%); highest among the groups gnomAD compares: East Asian, 0.04%; no homozygotes.

Submissions (13):

Labcorp Genetics (formerly Invitae), Labcorp
Classification: Likely benign for Familial cancer of breast; Fanconi anemia complementation group J. Last evaluated: 2026-02-03. Review status: criteria provided, single submitter. Criteria: Invitae Variant Classification Sherloc (09022015). Collection method: clinical testing. Allele origin: germline.

Center for Genomic Medicine, Rigshospitalet, Copenhagen University Hospital
Classification: Likely benign. Last evaluated: 2025-12-29. Review status: criteria provided, single submitter. Criteria: ACMG Guidelines, 2015. Collection method: clinical testing. Allele origin: germline.

CeGaT Center for Human Genetics Tuebingen
Classification: Likely benign. Last evaluated: 2024-01-01. Review status: criteria provided, single submitter. Criteria: CeGaT Center For Human Genetics Tuebingen Variant Classification Criteria Version 2. Collection method: clinical testing. Allele origin: germline. Affected: yes. Observed: 1 variant allele.
Comment: BRIP1: BP4, BP7

Myriad Genetics, Inc.
Classification: Benign for Familial cancer of breast. Last evaluated: 2023-02-27. Review status: criteria provided, single submitter. Criteria: Myriad Autosomal Dominant, Autosomal Recessive and X-Linked Classification Criteria (2023). Collection method: clinical testing. Allele origin: unknown.
Comment: This variant is considered benign. This variant is a silent/synonymous amino acid change and it is not expected to impact splicing.

Quest Diagnostics Nichols Institute San Juan Capistrano
Classification: Likely benign. Last evaluated: 2022-04-16. Review status: criteria provided, single submitter. Criteria: Quest Diagnostics criteria. Collection method: clinical testing. Allele origin: unknown.

Sema4
Classification: Likely benign for Hereditary cancer-predisposing syndrome. Last evaluated: 2021-12-01. Review status: criteria provided, single submitter. Criteria: Sema4 Curation Guidelines. Collection method: curation. Allele origin: germline.

Women's Health and Genetics/Laboratory Corporation of America, LabCorp
Classification: Likely benign. Last evaluated: 2018-06-15. Review status: criteria provided, single submitter. Criteria: LabCorp Variant Classification Summary - May 2015. Collection method: clinical testing. Allele origin: germline.
Comment: Variant summary: BRIP1 c.3336T>C alters a non-conserved nucleotide resulting in a synonymous change. 5/5 computational tools predict no significant impact on normal splicing. However, these predictions have yet to be confirmed by functional studies. The variant was reported in 13/276782 control chromosomes in gnomad, with the highest frequency being East Asian (9/18866), which is 7 fold higher than the maximal expected frequency for a pathogenic variant in BRIP1, evidence for the benign nature of this variant. To our knowledge, no occurrence of c.3336T>C in individuals affected with Hereditary Breast and Ovarian Cancer and no experimental evidence demonstrating its impact on protein function have been reported. Four clinical diagnostic laboratories have submitted clinical-significance assessments for this variant to ClinVar after 2014 without evidence for independent evaluation. All laboratories classified the variant as benign/likely benign. Based on the evidence outlined above, the variant was classified as likely benign.

Color Diagnostics, LLC DBA Color Health
Classification: Likely benign for Hereditary cancer-predisposing syndrome. Last evaluated: 2015-07-15. Review status: criteria provided, single submitter. Criteria: ACMG Guidelines, 2015. Collection method: clinical testing. Allele origin: germline.

GeneDx
Classification: Benign. Last evaluated: 2015-03-03. Review status: criteria provided, single submitter. Criteria: GeneDx Variant Classification Process June 2021. Collection method: clinical testing. Allele origin: germline. Affected: yes.

Ambry Genetics
Classification: Likely benign for Hereditary cancer-predisposing syndrome. Last evaluated: 2015-01-20. Review status: criteria provided, single submitter. Criteria: Ambry Variant Classification Scheme 2023. Collection method: clinical testing. Allele origin: germline.

PreventionGenetics, part of Exact Sciences
Classification: Likely benign for BRIP1-related condition. Last evaluated: 2020-08-06. Review status: no assertion criteria provided. Collection method: clinical testing. Allele origin: germline. Not counted in ClinVar's aggregate classification.
Comment: This variant is classified as likely benign based on ACMG/AMP sequence variant interpretation guidelines (Richards et al. 2015 PMID: 25741868, with internal and published modifications).

Counsyl
Classification: Likely benign for Fanconi anemia complementation group J. Last evaluated: 2016-10-03. Review status: no assertion criteria provided. Collection method: clinical testing. Allele origin: unknown. Not counted in ClinVar's aggregate classification.

Counsyl
Classification: Likely benign for Ovarian cancer. Last evaluated: 2016-10-03. Review status: no assertion criteria provided. Collection method: clinical testing. Allele origin: unknown. Not counted in ClinVar's aggregate classification.

NM_032043.3(BRIP1):c.3336T>C (p.Asp1112=)

Gene: BRIP1 (BRCA1 interacting DNA helicase 1; minus strand). Cytogenetic location: 17q23.2.
Variant type: single nucleotide variant.
Coding change: c.3336T>C on transcript NM_032043.3 (MANE Select); coding-DNA position 3336, T replaced by C.
Protein change: p.Asp1112=; no amino-acid change (aspartic acid 1112 retained).
Molecular consequence: synonymous variant.
Genome position (GRCh38, 1-based): chr17:61,683,710, A>G on the plus strand (T>C on the coding strand, the complement: BRIP1 is on the minus strand). VCF-style: chr17-61683710-A-G. GRCh37 (hg19) VCF-style: chr17-59761071-A-G.
Identifiers: ClinVar variation 230092 (VCV000230092.50), dbSNP rs369843642, ClinGen allele CA8690369.